The following is an entry in ClinVar:

NM_173477.5(USH1G):c.496C>T (p.Arg166Trp)

Gene: USH1G (USH1 protein network component sans; minus strand). Cytogenetic location: 17q25.1.
Variant type: single nucleotide variant.
Coding change: c.496C>T on transcript NM_173477.5 (MANE Select); coding-DNA position 496, C replaced by T.
Protein change: p.Arg166Trp; replaces arginine 166 with tryptophan.
Molecular consequence: missense variant.
Genome position (GRCh38, 1-based): chr17:74,920,340, G>A on the plus strand (C>T on the coding strand, the complement: USH1G is on the minus strand). VCF-style: chr17-74920340-G-A. GRCh37 (hg19) VCF-style: chr17-72916435-G-A.
Other names: c.187C>T, p.Arg63Trp (NM_001282489.3); short protein forms R63W, R166W.
Identifiers: ClinVar variation 1506473 (VCV001506473.6), dbSNP rs1457251019, ClinGen allele CA400965053.

ClinVar aggregate classification (germline): Uncertain significance (1 of 4 stars; one submission).

Submission:

Labcorp Genetics (formerly Invitae), Labcorp
Classification: Uncertain significance. Last evaluated: 2022-06-13. Review status: criteria provided, single submitter. Criteria: Invitae Variant Classification Sherloc (09022015). Collection method: clinical testing. Allele origin: germline.
Comment: In summary, the available evidence is currently insufficient to determine the role of this variant in disease. Therefore, it has been classified as a Variant of Uncertain Significance. Algorithms developed to predict the effect of missense changes on protein structure and function are either unavailable or do not agree on the potential impact of this missense change (SIFT: "Not Available"; PolyPhen-2: "Benign"; Align-GVGD: "Not Available"). This variant has not been reported in the literature in individuals affected with USH1G-related conditions. This variant is not present in population databases (gnomAD no frequency). This sequence change replaces arginine with tryptophan at codon 166 of the USH1G protein (p.Arg166Trp). The arginine residue is highly conserved and there is a moderate physicochemical difference between arginine and tryptophan.